The following is an entry in ClinVar:

ClinVar aggregate classification (germline): Benign (1 of 4 stars; one submission).

Allele frequency attached by ClinVar (database versions not stated): TOPMed below 0.00001; gnomAD 0.00001 and 0.00006; 1000 Genomes Project 30x 0.00016; gnomAD exomes 0.00016; 1000 Genomes Project 0.00020.
gnomAD v4.1: 12 of 172,664 alleles (0.0069%); highest among the groups gnomAD compares: South Asian, 0.17%; no homozygotes.

Submission:

CeGaT Center for Human Genetics Tuebingen
Classification: Benign. Last evaluated: 2022-06-01. Review status: criteria provided, single submitter. Criteria: CeGaT Center For Human Genetics Tuebingen Variant Classification Criteria Version 2. Collection method: clinical testing. Allele origin: germline. Affected: yes. Observed: 1 variant allele.
Comment: ENG: BS1, BS2

NM_001114753.3(ENG):c.*431T>G

Gene: ENG (endoglin; minus strand). Cytogenetic location: 9q34.11.
Variant type: single nucleotide variant.
Coding change: c.*431T>G on transcript NM_001114753.3 (MANE Select); 431 bases downstream of the stop codon, T replaced by G.
Molecular consequence: 3 prime UTR variant.
Genome position (GRCh38, 1-based): chr9:127,815,251, A>C on the plus strand (T>G on the coding strand, the complement: ENG is on the minus strand). VCF-style: chr9-127815251-A-C. GRCh37 (hg19) VCF-style: chr9-130577530-A-C.
Other names: c.*666T>G (NM_000118.4); c.*431T>G (NM_001278138.2).
Identifiers: ClinVar variation 1695265 (VCV001695265.31), dbSNP rs549011956, ClinGen allele CA200300729.